The following is an entry in ClinVar:

ClinVar aggregate classification (germline): Pathogenic (1 of 4 stars; one submission).

Submission:

Labcorp Genetics (formerly Invitae), Labcorp
Classification: Pathogenic. Last evaluated: 2020-11-02. Review status: criteria provided, single submitter. Criteria: Invitae Variant Classification Sherloc (09022015). Collection method: clinical testing. Allele origin: germline.
Comment: Algorithms developed to predict the effect of sequence changes on RNA splicing suggest that this variant may disrupt the consensus splice site, but this prediction has not been confirmed by published transcriptional studies. For these reasons, this variant has been classified as Pathogenic. This variant has been observed in individual(s) with clinical features of Stickler syndrome (PMID: 22796116, Invitae). This variant is not present in population databases (ExAC no frequency). This sequence change affects a donor splice site in intron 45 of the COL2A1 gene. It is expected to disrupt RNA splicing. Variants that disrupt the donor or acceptor splice site typically lead to a loss of protein function (PMID: 16199547), and loss-of-function variants in COL2A1 are known to be pathogenic (PMID: 20179744).

Literature cited by the submitters: PubMed 22796116; PubMed 16199547; PubMed 20179744.

NM_001844.5(COL2A1):c.3165+1G>T

Gene: COL2A1 (collagen type II alpha 1 chain; minus strand). Cytogenetic location: 12q13.11.
Variant type: single nucleotide variant.
Coding change: c.3165+1G>T on transcript NM_001844.5 (MANE Select); the canonical splice donor site of the intron after coding-DNA position 3165, G replaced by T.
Molecular consequence: splice donor variant.
Genome position (GRCh38, 1-based): chr12:47,977,599, C>A on the plus strand (G>T on the coding strand, the complement: COL2A1 is on the minus strand). VCF-style: chr12-47977599-C-A. GRCh37 (hg19) VCF-style: chr12-48371382-C-A.
Other names: c.2958+1G>T (NM_033150.3).
Identifiers: ClinVar variation 1455688 (VCV001455688.8), dbSNP rs767701661, ClinGen allele CA384540491.
Genomic context (GRCh38, chr12:47,977,599, plus strand): 5'-CTGTCAGGCCCGAGGCAATGTCCTCCCCAACCCACTGCACACACAGACACCAGACACTCA[C>A]CTTGACTCCAGCAGCGCCATCTCTGCCAGGGGGGCCATCAGCACCGGGGCTTCCCTGGAC-3'